The following is an entry in ClinVar:

ClinVar aggregate classification (germline): Uncertain significance. Review status: criteria provided, multiple submitters, no conflicts (2 of 4 stars). 5 submissions from 5 submitters: Uncertain significance (4). 1 of the submissions does not count toward it. Last evaluated 2025-12-04.

Conditions:
Short-rib thoracic dysplasia 10 with or without polydactyly (SRTD10). Identifiers: Orphanet 474, MedGen C3810175, MONDO:0014284, OMIM 615630.
Retinitis pigmentosa 71 (RP71). Identifiers: Orphanet 791, MedGen C4225342, MONDO:0014618, OMIM 616394.
Bardet-Biedl syndrome 20. Identifiers: MedGen C4310707, MONDO:0023670, OMIM 619471, MONDO:0014926.
Inborn genetic diseases. Identifiers: MedGen C0950123, MeSH D030342.
IFT172-related disorder. Also called: IFT172-related condition; IFT172-related disorders.

Allele frequency attached by ClinVar (database versions not stated): ExAC 0.00006; gnomAD 0.00011; TOPMed 0.00007; gnomAD exomes 0.00006; ESP Exome Variant Server 0.00008.
gnomAD v4.1: 296 of 1,613,002 alleles (0.018%); highest among the groups gnomAD compares: Non-Finnish European, 0.024%; 1 homozygote.

Submissions (5):

Ambry Genetics
Classification: Uncertain significance for Inborn genetic diseases. Last evaluated: 2025-12-04. Review status: criteria provided, single submitter. Criteria: Ambry Variant Classification Scheme 2023. Collection method: clinical testing. Allele origin: germline.

Blueprint Genetics
Classification: Uncertain significance. Last evaluated: 2023-03-14. Review status: criteria provided, single submitter. Criteria: ACMG Guidelines, 2015. Collection method: clinical testing. Allele origin: germline.

Labcorp Genetics (formerly Invitae), Labcorp
Classification: Uncertain significance for Retinitis pigmentosa 71; Short-rib thoracic dysplasia 10 with or without polydactyly. Last evaluated: 2022-07-23. Review status: criteria provided, single submitter. Criteria: Invitae Variant Classification Sherloc (09022015). Collection method: clinical testing. Allele origin: germline.
Comment: This sequence change replaces glutamic acid, which is acidic and polar, with lysine, which is basic and polar, at codon 1666 of the IFT172 protein (p.Glu1666Lys). This variant is present in population databases (rs373098915, gnomAD 0.02%). This variant has not been reported in the literature in individuals affected with IFT172-related conditions. ClinVar contains an entry for this variant (Variation ID: 1036252). Algorithms developed to predict the effect of missense changes on protein structure and function (SIFT, PolyPhen-2, Align-GVGD) all suggest that this variant is likely to be tolerated. In summary, the available evidence is currently insufficient to determine the role of this variant in disease. Therefore, it has been classified as a Variant of Uncertain Significance.

Fulgent Genetics
Classification: Uncertain significance for Short-rib thoracic dysplasia 10 with or without polydactyly; Retinitis pigmentosa 71; Bardet-Biedl syndrome 20. Last evaluated: 2022-01-19. Review status: criteria provided, single submitter. Criteria: ACMG Guidelines, 2015. Collection method: clinical testing. Allele origin: unknown.

PreventionGenetics, part of Exact Sciences
Classification: Uncertain significance for IFT172-related condition. Last evaluated: 2024-03-15. Review status: no assertion criteria provided. Collection method: clinical testing. Allele origin: germline. Not counted in ClinVar's aggregate classification.
Comment: The IFT172 c.4996G>A variant is predicted to result in the amino acid substitution p.Glu1666Lys. To our knowledge, this variant has not been reported in the literature. This variant is reported in 0.015% of alleles in individuals of European (Non-Finnish) descent in gnomAD. At this time, the clinical significance of this variant is uncertain due to the absence of conclusive functional and genetic evidence.

NM_015662.3(IFT172):c.4996G>A (p.Glu1666Lys)

Genes: IFT172 (intraflagellar transport 172; minus strand), KRTCAP3 (keratinocyte associated protein 3; plus strand). Cytogenetic location: 2p23.3.
Variant type: single nucleotide variant.
Coding change: c.4996G>A on transcript NM_015662.3 (MANE Select); coding-DNA position 4996, G replaced by A.
Protein change: p.Glu1666Lys; replaces glutamic acid 1666 with lysine.
Molecular consequence: missense variant. On other transcripts: intron variant (1).
Genome position (GRCh38, 1-based): chr2:27,445,368, C>T on the plus strand (G>A on the coding strand, the complement: IFT172 is on the minus strand). VCF-style: chr2-27445368-C-T. GRCh37 (hg19) VCF-style: chr2-27668235-C-T.
Other names: c.4930G>A, p.Glu1644Lys (NM_001410739.1); c.*6-933C>T (NM_001168364.2); c.4996G>A (NM_015662.2, NM_015662.1); short protein forms E1666K, E1644K.
Identifiers: ClinVar variation 1036252 (VCV001036252.10), dbSNP rs373098915, ClinGen allele CA1579394.